The following is an entry in ClinVar:

ClinVar aggregate classification (germline): Uncertain significance. Review status: criteria provided, single submitter (1 of 4 stars). 2 submissions from 2 submitters: Uncertain significance (1). 1 of the submissions does not count toward it. Last evaluated 2022-03-21.

Conditions:
Cardiovascular phenotype. Identifiers: MedGen CN230736.
NEXN-related disorder. Also called: NEXN-related condition; NEXN-related disorders.

Allele frequency attached by ClinVar (database versions not stated): TOPMed below 0.00001.
gnomAD v4.1: 4 of 1,607,694 alleles (0.00025%); highest among the groups gnomAD compares: Non-Finnish European, 0.00034%; no homozygotes.

Submissions (2):

Ambry Genetics
Classification: Uncertain significance for Cardiovascular phenotype. Last evaluated: 2022-03-21. Review status: criteria provided, single submitter. Criteria: Ambry Variant Classification Scheme 2023. Collection method: clinical testing. Allele origin: germline.
Comment: The p.D3V variant (also known as c.8A>T), located in coding exon 1 of the NEXN gene, results from an A to T substitution at nucleotide position 8. The aspartic acid at codon 3 is replaced by valine, an amino acid with highly dissimilar properties. This amino acid position is highly conserved in available vertebrate species. In addition, the in silico prediction for this alteration is inconclusive. Since supporting evidence is limited at this time, the clinical significance of this alteration remains unclear.

PreventionGenetics, part of Exact Sciences
Classification: Uncertain significance for NEXN-related condition. Last evaluated: 2023-11-08. Review status: no assertion criteria provided. Collection method: clinical testing. Allele origin: germline. Not counted in ClinVar's aggregate classification.
Comment: The NEXN c.8A>T variant is predicted to result in the amino acid substitution p.Asp3Val. To our knowledge, this variant has not been reported in the literature or in a large population database, indicating this variant is rare. At this time, the clinical significance of this variant is uncertain due to the absence of conclusive functional and genetic evidence.

NM_144573.4(NEXN):c.8A>T (p.Asp3Val)

Gene: NEXN (nexilin F-actin binding protein; plus strand). Cytogenetic location: 1p31.1.
Variant type: single nucleotide variant.
Coding change: c.8A>T on transcript NM_144573.4 (MANE Select); coding-DNA position 8, A replaced by T.
Protein change: p.Asp3Val; replaces aspartic acid 3 with valine.
Molecular consequence: missense variant.
Genome position (GRCh38, 1-based): chr1:77,916,114, A>T. VCF-style: chr1-77916114-A-T. GRCh37 (hg19) VCF-style: chr1-78381799-A-T.
Other names: c.8A>T, p.Asp3Val (NM_001172309.2); short protein forms D3V.
Identifiers: ClinVar variation 1765416 (VCV001765416.4), dbSNP rs780371936, ClinGen allele CA24704671.